The following is an entry in ClinVar:

NM_000256.3(MYBPC3):c.933G>C (p.Ser311=)

Gene: MYBPC3 (myosin binding protein C3; minus strand). Cytogenetic location: 11p11.2.
Variant type: single nucleotide variant.
Coding change: c.933G>C on transcript NM_000256.3 (MANE Select); coding-DNA position 933, G replaced by C.
Protein change: p.Ser311=; no amino-acid change (serine 311 retained).
Molecular consequence: synonymous variant.
Genome position (GRCh38, 1-based): chr11:47,346,364, C>G on the plus strand (G>C on the coding strand, the complement: MYBPC3 is on the minus strand). VCF-style: chr11-47346364-C-G. GRCh37 (hg19) VCF-style: chr11-47367915-C-G.
Other names: p.S311S:TCG>TCC.
Identifiers: ClinVar variation 42810 (VCV000042810.60), dbSNP rs374326087, ClinGen allele CA016162.

ClinVar aggregate classification (germline): Conflicting classifications of pathogenicity. Review status: criteria provided, conflicting classifications (1 of 4 stars). 10 submissions from 9 submitters: Uncertain significance (2); Benign (2); Likely benign (6). Last evaluated 2025-12-29.

Conditions:
Left ventricular noncompaction 10 (LVNC10). Identifiers: Orphanet 154, Orphanet 54260, MedGen C3715165, MONDO:0014163, OMIM 615396.
Cardiovascular phenotype. Identifiers: MedGen CN230736.
Cardiomyopathy (CMYO). Also called: Cardiomyopathies. Identifiers: Orphanet 167848, MedGen C0878544, MONDO:0004994, HP:0001638. Inheritance: Various modes of inheritance.
Hypertrophic cardiomyopathy 4. Also called: Familial hypertrophic cardiomyopathy 4. Identifiers: MedGen C1861862, MONDO:0007268, OMIM 115197.
Hypertrophic cardiomyopathy. Also called: HYPERTROPHIC MYOCARDIOPATHY. Identifiers: Orphanet 217569, MedGen C0007194, MeSH D002312, MONDO:0005045, HP:0001639.

Allele frequency attached by ClinVar (database versions not stated): TOPMed 0.00006; ESP Exome Variant Server 0.00016; 1000 Genomes Project 0.00020; 1000 Genomes Project 30x 0.00031.
gnomAD v4.1: 107 of 1,586,838 alleles (0.0067%); highest among the groups gnomAD compares: Middle Eastern, 0.05%; no homozygotes.

Submissions (10):

Labcorp Genetics (formerly Invitae), Labcorp
Classification: Benign for Hypertrophic cardiomyopathy. Last evaluated: 2025-12-29. Review status: criteria provided, single submitter. Criteria: Invitae Variant Classification Sherloc (09022015). Collection method: clinical testing. Allele origin: germline.

CeGaT Center for Human Genetics Tuebingen
Classification: Likely benign. Last evaluated: 2025-11-01. Review status: criteria provided, single submitter. Criteria: CeGaT Center For Human Genetics Tuebingen Variant Classification Criteria Version 2. Collection method: clinical testing. Allele origin: germline. Affected: yes. Observed: 7 variant alleles.
Comment: MYBPC3: BP4, BP7

Blueprint Genetics
Classification: Likely benign. Last evaluated: 2024-10-10. Review status: criteria provided, single submitter. Criteria: ACMG Guidelines, 2015. Collection method: clinical testing. Allele origin: germline.

All of Us Research Program, National Institutes of Health
Classification: Likely benign for Hypertrophic cardiomyopathy. Last evaluated: 2024-02-05. Review status: criteria provided, single submitter. Criteria: ACMG Guidelines, 2015. Collection method: clinical testing. Allele origin: germline. Inheritance: Autosomal dominant inheritance. Observed: 34 variant alleles, 34 heterozygotes.
Comment: This study involves interpretation of variants in research participants for the purpose of population health screening. Participant phenotype was not available at the time of variant classification. Additional details can be found in publication PMID: 35346344, PMCID: PMC8962531

Color Diagnostics, LLC DBA Color Health
Classification: Likely benign for Cardiomyopathy. Last evaluated: 2018-06-25. Review status: criteria provided, single submitter. Criteria: ACMG Guidelines, 2015. Collection method: clinical testing. Allele origin: germline.

Illumina Laboratory Services, Illumina
Classification: Uncertain significance for Left ventricular noncompaction 10. Last evaluated: 2017-04-27. Review status: criteria provided, single submitter. Criteria: ICSL Variant Classification Criteria 13 December 2019. Collection method: clinical testing. Allele origin: germline.

Illumina Laboratory Services, Illumina
Classification: Uncertain significance for Hypertrophic cardiomyopathy 4. Last evaluated: 2017-04-27. Review status: criteria provided, single submitter. Criteria: ICSL Variant Classification Criteria 13 December 2019. Collection method: clinical testing. Allele origin: germline.

Ambry Genetics
Classification: Likely benign for Cardiovascular phenotype. Last evaluated: 2016-11-02. Review status: criteria provided, single submitter. Criteria: Ambry Variant Classification Scheme 2023. Collection method: clinical testing. Allele origin: germline.

GeneDx
Classification: Benign. Last evaluated: 2014-05-02. Review status: criteria provided, single submitter. Criteria: GeneDx Variant Classification (06012015). Collection method: clinical testing. Allele origin: germline. Affected: yes.
Comment: This variant is considered likely benign or benign based on one or more of the following criteria: it is a conservative change, it occurs at a poorly conserved position in the protein, it is predicted to be benign by multiple in silico algorithms, and/or has population frequency not consistent with disease.

Laboratory for Molecular Medicine, Mass General Brigham Personalized Medicine
Classification: Likely benign. Last evaluated: 2013-12-18. Review status: criteria provided, single submitter. Criteria: LMM Criteria. Collection method: clinical testing. Allele origin: germline. Observed: 2 variant alleles.
Comment: Ser311Ser in exon 12 of MYBPC3: This variant is not expected to have clinical si gnificance because it does not alter an amino acid residue and is not located wi thin the splice consensus sequence. It has been identified in 2/8430 European Am erican chromosomes by the NHLBI Exome Sequencing Project. Ser311Ser in exon 12 of MYBPC3 (allele frequency = 2/8430) **